The following is an entry in ClinVar:

NM_001145026.2(PTPRQ):c.2731T>C (p.Ser911Pro)

Gene: PTPRQ (protein tyrosine phosphatase receptor type Q; plus strand). Cytogenetic location: 12q21.31.
Variant type: single nucleotide variant.
Coding change: c.2731T>C on transcript NM_001145026.2 (MANE Select); coding-DNA position 2731, T replaced by C.
Protein change: p.Ser911Pro; replaces serine 911 with proline.
Molecular consequence: missense variant.
Genome position (GRCh38, 1-based): chr12:80,534,067, T>C. VCF-style: chr12-80534067-T-C. GRCh37 (hg19) VCF-style: chr12-80927846-T-C.
Other names: short protein forms S911P.
Identifiers: ClinVar variation 4540032 (VCV004540032.1).
Genomic context (GRCh38, chr12:80,534,067, plus strand): 5'-TATCTCAGGAATAGATCATCATTAAAAACTATTAATGTCACTGAAACATCATTGGAGTTA[T>C]CAGATTTGGATTATAATGTTGAATACAGTGCTTATGTAACAGCTAGCACCAGATTTGGTG-3'
Protein context (NP_001138498.1, residues 901-921): INVTETSLEL[Ser911Pro]DLDYNVEYSA

ClinVar aggregate classification (germline): Uncertain significance (1 of 4 stars; one submission).

gnomAD v4.1: 2 of 1,535,144 alleles (0.00013%); highest among the groups gnomAD compares: Admixed American, 0.0042%; no homozygotes.

Submission:

GeneDx
Classification: Uncertain significance. Last evaluated: 2025-06-24. Review status: criteria provided, single submitter. Criteria: GeneDx Variant Classification Process June 2021. Collection method: clinical testing. Allele origin: germline. Affected: yes.
Comment: Not observed at significant frequency in large population cohorts (gnomAD); Has not been previously published as pathogenic or benign to our knowledge; In silico analysis does not support a benign or deleterious effect of this variant on protein structure/function